The following is an entry in ClinVar:

NM_020949.3(SLC7A14):c.1372G>A (p.Asp458Asn)

Genes: SLC7A14 (solute carrier family 7 member 14; minus strand), SLC7A14-AS1 (SLC7A14 antisense RNA 1; plus strand). Cytogenetic location: 3q26.2.
Variant type: single nucleotide variant.
Coding change: c.1372G>A on transcript NM_020949.3 (MANE Select); coding-DNA position 1372, G replaced by A.
Protein change: p.Asp458Asn; replaces aspartic acid 458 with asparagine.
Molecular consequence: missense variant.
Genome position (GRCh38, 1-based): chr3:170,480,910, C>T on the plus strand (G>A on the coding strand, the complement: SLC7A14 is on the minus strand). VCF-style: chr3-170480910-C-T. GRCh37 (hg19) VCF-style: chr3-170198699-C-T.
Other names: short protein forms D458N.
Identifiers: ClinVar variation 1720878 (VCV001720878.6), dbSNP rs2473367938, ClinGen allele CA355490520.

ClinVar aggregate classification (germline): Uncertain significance. Review status: criteria provided, multiple submitters, no conflicts (2 of 4 stars). 2 submissions from 2 submitters: Uncertain significance (2). Last evaluated 2022-07-20.

Submissions (2):

Labcorp Genetics (formerly Invitae), Labcorp
Classification: Uncertain significance. Last evaluated: 2022-07-20. Review status: criteria provided, single submitter. Criteria: Invitae Variant Classification Sherloc (09022015). Collection method: clinical testing. Allele origin: germline.
Comment: Algorithms developed to predict the effect of missense changes on protein structure and function (SIFT, PolyPhen-2, Align-GVGD) all suggest that this variant is likely to be tolerated. In summary, the available evidence is currently insufficient to determine the role of this variant in disease. Therefore, it has been classified as a Variant of Uncertain Significance. This variant has not been reported in the literature in individuals affected with SLC7A14-related conditions. This variant is not present in population databases (gnomAD no frequency). This sequence change replaces aspartic acid, which is acidic and polar, with asparagine, which is neutral and polar, at codon 458 of the SLC7A14 protein (p.Asp458Asn).

Blueprint Genetics
Classification: Uncertain significance. Last evaluated: 2022-06-13. Review status: criteria provided, single submitter. Criteria: ACMG Guidelines, 2015. Collection method: clinical testing. Allele origin: germline.